The following is an entry in ClinVar:

NM_016011.5(MECR):c.613G>A (p.Ala205Thr)

Gene: MECR (mitochondrial trans-2-enoyl-CoA reductase; minus strand). Cytogenetic location: 1p35.3.
Variant type: single nucleotide variant.
Coding change: c.613G>A on transcript NM_016011.5 (MANE Select); coding-DNA position 613, G replaced by A.
Protein change: p.Ala205Thr; replaces alanine 205 with threonine.
Molecular consequence: missense variant. On other transcripts: non-coding transcript variant (3).
Genome position (GRCh38, 1-based): chr1:29,203,171, C>T on the plus strand (G>A on the coding strand, the complement: MECR is on the minus strand). VCF-style: chr1-29203171-C-T. GRCh37 (hg19) VCF-style: chr1-29529683-C-T.
Other names: c.385G>A, p.Ala129Thr (NM_001024732.4, NM_001349711.2, NM_001349712.2 and 2 more transcripts); c.718G>A, p.Ala240Thr (NM_001349715.2); c.697G>A, p.Ala233Thr (NM_001349716.2); c.463G>A, p.Ala155Thr (NM_001349717.2); c.613G>A (NM_016011.2); short protein forms A129T, A205T, A240T, A233T, A155T.
Identifiers: ClinVar variation 2166960 (VCV002166960.2), dbSNP rs149278145, ClinGen allele CA725747.

ClinVar aggregate classification (germline): Uncertain significance. Review status: criteria provided, multiple submitters, no conflicts (2 of 4 stars). 2 submissions from 2 submitters: Uncertain significance (2). Last evaluated 2024-06-19.

Conditions:
Inborn genetic diseases. Identifiers: MedGen C0950123, MeSH D030342.

Allele frequency attached by ClinVar (database versions not stated): gnomAD 0.00003; ESP Exome Variant Server 0.00008; 1000 Genomes Project 30x 0.00016; 1000 Genomes Project 0.00020.

Submissions (2):

Ambry Genetics
Classification: Uncertain significance for Inborn genetic diseases. Last evaluated: 2024-06-19. Review status: criteria provided, single submitter. Criteria: Ambry Variant Classification Scheme 2023. Collection method: clinical testing. Allele origin: germline.

Labcorp Genetics (formerly Invitae), Labcorp
Classification: Uncertain significance. Last evaluated: 2022-01-17. Review status: criteria provided, single submitter. Criteria: Invitae Variant Classification Sherloc (09022015). Collection method: clinical testing. Allele origin: germline.
Comment: This sequence change replaces alanine, which is neutral and non-polar, with threonine, which is neutral and polar, at codon 205 of the MECR protein (p.Ala205Thr). The frequency data for this variant in the population databases is considered unreliable, as metrics indicate poor data quality at this position in the gnomAD database. This variant has not been reported in the literature in individuals affected with MECR-related conditions. Algorithms developed to predict the effect of missense changes on protein structure and function output the following: SIFT: "Tolerated"; PolyPhen-2: "Benign"; Align-GVGD: "Class C0". The threonine amino acid residue is found in multiple mammalian species, which suggests that this missense change does not adversely affect protein function. In summary, the available evidence is currently insufficient to determine the role of this variant in disease. Therefore, it has been classified as a Variant of Uncertain Significance.